The following is an entry in ClinVar:

ClinVar aggregate classification (germline): Uncertain significance (1 of 4 stars; one submission).

Conditions:
Congenital heart defects, multiple types, 4 (CHTD4). Identifiers: MedGen C4014310, MONDO:0014344, OMIM 615779.

Submission:

MVZ Medizinische Genetik Mainz
Classification: Uncertain significance for Congenital heart defects, multiple types, 4. Last evaluated: 2025-02-20. Review status: criteria provided, single submitter. Criteria: UK Practice Guidelines For Variant Classification V4 01 2020. Collection method: clinical testing. Allele origin: germline. Inheritance: Autosomal dominant inheritance. Affected: yes. Observed: 1 variant allele.
Comment: ACMG Criteria: PP3_MOD,PM2_SUP,PP2

NM_021005.4(NR2F2):c.941G>A (p.Cys314Tyr)

Gene: NR2F2 (nuclear receptor subfamily 2 group F member 2; plus strand). Cytogenetic location: 15q26.2.
Variant type: single nucleotide variant.
Coding change: c.941G>A on transcript NM_021005.4 (MANE Select); coding-DNA position 941, G replaced by A.
Protein change: p.Cys314Tyr; replaces cysteine 314 with tyrosine.
Molecular consequence: missense variant.
Genome position (GRCh38, 1-based): chr15:96,334,574, G>A. VCF-style: chr15-96334574-G-A. GRCh37 (hg19) VCF-style: chr15-96877803-G-A.
Other names: c.542G>A, p.Cys181Tyr (NM_001145155.2); c.482G>A, p.Cys161Tyr (NM_001145156.1, NM_001145157.2); short protein forms C161Y, C181Y, C314Y.
Identifiers: ClinVar variation 3774590 (VCV003774590.1).